The following is an entry in ClinVar:

NM_004304.5(ALK):c.2679A>G (p.Gly893=)

Gene: ALK (ALK receptor tyrosine kinase; minus strand). Cytogenetic location: 2p23.2.
Variant type: single nucleotide variant.
Coding change: c.2679A>G on transcript NM_004304.5 (MANE Select); coding-DNA position 2679, A replaced by G.
Protein change: p.Gly893=; no amino-acid change (glycine 893 retained).
Molecular consequence: synonymous variant.
Genome position (GRCh38, 1-based): chr2:29,229,020, T>C on the plus strand (A>G on the coding strand, the complement: ALK is on the minus strand). VCF-style: chr2-29229020-T-C. GRCh37 (hg19) VCF-style: chr2-29451886-T-C.
Identifiers: ClinVar variation 4272556 (VCV004272556.1).

ClinVar aggregate classification (germline): Uncertain significance (1 of 4 stars; one submission).

Conditions:
Hereditary cancer-predisposing syndrome. Also called: Hereditary Cancer Syndrome; Hereditary neoplastic syndrome; Neoplastic Syndromes, Hereditary; Tumor predisposition. Identifiers: Orphanet 140162, MedGen C0027672, MeSH D009386, MONDO:0015356.

Submission:

Ambry Genetics
Classification: Uncertain significance for Hereditary cancer-predisposing syndrome. Last evaluated: 2025-07-17. Review status: criteria provided, single submitter. Criteria: Ambry Variant Classification Scheme 2023. Collection method: clinical testing. Allele origin: germline.
Comment: The c.2679A>G variant (also known as p.G893G), located in coding exon 16 of the ALK gene, results from an A to G substitution at nucleotide position 2679. This nucleotide substitution does not change the amino acid at codon 893. This nucleotide position is well conserved in available vertebrate species. In silico splice site analysis for this alteration is inconclusive. Based on the available evidence, the clinical significance of this variant remains unclear.